The following is an entry in ClinVar:

NM_000419.5(ITGA2B):c.1753-1G>A

Gene: ITGA2B (integrin subunit alpha 2b; minus strand). Cytogenetic location: 17q21.31.
Variant type: single nucleotide variant.
Coding change: c.1753-1G>A on transcript NM_000419.5 (MANE Select); the canonical splice acceptor site of the intron before coding-DNA position 1753, G replaced by A.
Molecular consequence: splice acceptor variant.
Genome position (GRCh38, 1-based): chr17:44,379,815, C>T on the plus strand (G>A on the coding strand, the complement: ITGA2B is on the minus strand). VCF-style: chr17-44379815-C-T. GRCh37 (hg19) VCF-style: chr17-42457183-C-T.
Identifiers: ClinVar variation 953036 (VCV000953036.5), dbSNP rs2048578129, ClinGen allele CA399802017.

ClinVar aggregate classification (germline): Likely pathogenic. Review status: reviewed by expert panel (3 of 4 stars). 2 submissions from 2 submitters: Likely pathogenic (1). 1 of the submissions does not count toward it. Last evaluated 2023-10-17.

Conditions:
Glanzmann thrombasthenia. Also called: Thrombasthenia; THROMBASTHENIA OF GLANZMANN AND NAEGELI; PLATELET GLYCOPROTEIN IIb-IIIa DEFICIENCY; Glanzmann's thrombasthenia. Identifiers: Orphanet 849, MedGen C0040015, MONDO:0100326.
ITGA2B-related disorder. Also called: ITGA2B-related condition; ITGA2B-related disorders.

Allele frequency attached by ClinVar (database versions not stated): gnomAD exomes below 0.00001.
gnomAD v4.1: 4 of 1,613,862 alleles (0.00025%); highest among the groups gnomAD compares: East Asian, 0.0067%; no homozygotes.

Submissions (2):

ClinGen Platelet Disorders Variant Curation Expert Panel, ClinGen
Classification: Likely pathogenic for Glanzmann thrombasthenia. Last evaluated: 2023-10-17. Review status: reviewed by expert panel. Criteria: ClinGen Platelet ACMG Specifications v2-1. Collection method: curation. Allele origin: germline. Inheritance: Autosomal recessive inheritance.
Comment: The NM_000419.4:c.1753-1G>A variant is a canonical splice acceptor variant which is shown to result in skipping of exon 18, but preservation of the reading frame, removing <10% of the protein (PMID: 9763559; PVS1_moderate)). The variant is absent from population databases, including gnomADv2.1.1 (PM2_supporting). It is reported in 1 homozygous (PMID: 19691478) and 1 compound heterozygous (PMID: 9763559) GT patient in trans with pathogenic variant Gln778Pro (PM3). GT15 from PMID: 19691478 meets criteria for PP4_moderate with history of mucocutaneous bleeding, absent or reduced platelet aggregation with ADP, adrenaline, arachidonic acid, and collagen, but normal aggregation to ristocetin and reduced αIIbβ3 expression on western blot analysis. In summary, based on the available evidence at this time, the c.1753-1G>A variant is classified as likely pathogenic. GT-specific criteria applied: PVS1_Moderate, PM2_Supporting, PP4_Moderate, PM3.

PreventionGenetics, part of Exact Sciences
Classification: Pathogenic for ITGA2B-related condition. Last evaluated: 2025-07-09. Review status: criteria provided, single submitter. Criteria: ACMG Guidelines, 2015. Collection method: clinical testing. Allele origin: germline. Not counted in ClinVar's aggregate classification.
Comment: The ITGA2B c.1753-1G>A variant is predicted to disrupt the AG splice acceptor site and interfere with normal splicing. This variant has been reported in the homozygous and compound heterozygous states in individuals with Glanzmann thrombasthenia (Tadokoro et al. 1998. PubMed ID: 9763559; Kannan et al. 2009. PubMed ID: 19691478). This variant has not been reported in a large population database (gnomAD), indicating this variant is rare. Variants that disrupt the consensus splice acceptor site in ITGA2B are expected to be pathogenic. This variant is interpreted as pathogenic.